The following is an entry in ClinVar:

ClinVar aggregate classification (germline): Uncertain significance (1 of 4 stars; one submission).

Submission:

Labcorp Genetics (formerly Invitae), Labcorp
Classification: Uncertain significance. Last evaluated: 2024-10-15. Review status: criteria provided, single submitter. Criteria: Invitae Variant Classification Sherloc (09022015). Collection method: clinical testing. Allele origin: germline.
Comment: This sequence change replaces proline, which is neutral and non-polar, with serine, which is neutral and polar, at codon 694 of the ERCC6 protein (p.Pro694Ser). This variant is not present in population databases (gnomAD no frequency). This variant has not been reported in the literature in individuals affected with ERCC6-related conditions. ClinVar contains an entry for this variant (Variation ID: 2141821). Invitae Evidence Modeling of protein sequence and biophysical properties (such as structural, functional, and spatial information, amino acid conservation, physicochemical variation, residue mobility, and thermodynamic stability) has been performed for this missense variant. However, the output from this modeling did not meet the statistical confidence thresholds required to predict the impact of this variant on ERCC6 protein function. In summary, the available evidence is currently insufficient to determine the role of this variant in disease. Therefore, it has been classified as a Variant of Uncertain Significance.

NM_000124.4(ERCC6):c.2080C>T (p.Pro694Ser)

Gene: ERCC6 (ERCC excision repair 6, chromatin remodeling factor; minus strand). Cytogenetic location: 10q11.23.
Variant type: single nucleotide variant.
Coding change: c.2080C>T on transcript NM_000124.4 (MANE Select); coding-DNA position 2080, C replaced by T.
Protein change: p.Pro694Ser; replaces proline 694 with serine.
Molecular consequence: missense variant.
Genome position (GRCh38, 1-based): chr10:49,482,776, G>A on the plus strand (C>T on the coding strand, the complement: ERCC6 is on the minus strand). VCF-style: chr10-49482776-G-A. GRCh37 (hg19) VCF-style: chr10-50690822-G-A.
Other names: c.2080C>T, p.Pro694Ser (NM_001346440.2); short protein forms P694S.
Identifiers: ClinVar variation 2141821 (VCV002141821.3), dbSNP rs2496007202, ClinGen allele CA376724312.